The following is an entry in ClinVar:

NM_005359.6(SMAD4):c.1456G>C (p.Ala486Pro)

Gene: SMAD4 (SMAD family member 4; plus strand). Cytogenetic location: 18q21.2.
Variant type: single nucleotide variant.
Coding change: c.1456G>C on transcript NM_005359.6 (MANE Select); coding-DNA position 1456, G replaced by C.
Protein change: p.Ala486Pro; replaces alanine 486 with proline.
Molecular consequence: missense variant.
Genome position (GRCh38, 1-based): chr18:51,078,264, G>C. VCF-style: chr18-51078264-G-C. GRCh37 (hg19) VCF-style: chr18-48604634-G-C.
Other names: short protein forms A486P.
Identifiers: ClinVar variation 819261 (VCV000819261.4), dbSNP rs1599205217, ClinGen allele CA402465653.

ClinVar aggregate classification (germline): Uncertain significance (1 of 4 stars; one submission).

Conditions:
Familial thoracic aortic aneurysm and aortic dissection (TAAD). Also called: Thoracic aortic aneurysms and dissections. Identifiers: Orphanet 91387, MedGen C4707243, MONDO:0019625.
Hereditary cancer-predisposing syndrome. Also called: Tumor predisposition; Hereditary neoplastic syndrome; Neoplastic Syndromes, Hereditary; Hereditary Cancer Syndrome. Identifiers: Orphanet 140162, MedGen C0027672, MeSH D009386, MONDO:0015356.

Submission:

Ambry Genetics
Classification: Uncertain significance for Hereditary cancer-predisposing syndrome; Familial thoracic aortic aneurysm and aortic dissection. Last evaluated: 2018-03-15. Review status: criteria provided, single submitter. Criteria: Ambry Variant Classification Scheme 2023. Collection method: clinical testing. Allele origin: germline.
Comment: The p.A486P variant (also known as c.1456G>C), located in coding exon 11 of the SMAD4 gene, results from a G to C substitution at nucleotide position 1456. The alanine at codon 486 is replaced by proline, an amino acid with highly similar properties. This amino acid position is highly conserved in available vertebrate species. In addition, this alteration is predicted to be deleterious by in silico analysis. Since supporting evidence is limited at this time, the clinical significance of this alteration remains unclear.